The following is an entry in ClinVar:

NM_006236.3(POU3F3):c.935C>A (p.Ser312Ter)

Gene: POU3F3 (POU class 3 homeobox 3; plus strand). Cytogenetic location: 2q12.1.
Variant type: single nucleotide variant.
Coding change: c.935C>A on transcript NM_006236.3 (MANE Select); coding-DNA position 935, C replaced by A.
Protein change: p.Ser312Ter; replaces serine 312 with a stop codon.
Molecular consequence: nonsense.
Genome position (GRCh38, 1-based): chr2:104,856,445, C>A. VCF-style: chr2-104856445-C-A. GRCh37 (hg19) VCF-style: chr2-105472903-C-A.
Other names: short protein forms S312*.
Identifiers: ClinVar variation 3936387 (VCV003936387.1).

ClinVar aggregate classification (germline): Pathogenic (1 of 4 stars; one submission).

Conditions:
Inborn genetic diseases. Identifiers: MedGen C0950123, MeSH D030342.

Submission:

Ambry Genetics
Classification: Pathogenic for Inborn genetic diseases. Last evaluated: 2025-06-10. Review status: criteria provided, single submitter. Criteria: Ambry Variant Classification Scheme 2023. Collection method: clinical testing. Allele origin: germline.
Comment: The c.935C>A (p.S312*) alteration, located in exon 1 (coding exon 1) of the POU3F3 gene, consists of a C to A substitution at nucleotide position 935. This changes the amino acid from a serine (S) to a stop codon at amino acid position 312. Premature stop codons are typically deleterious in nature; however, because POU3F3 is a single-exon gene this alteration is not expected to trigger nonsense-mediated mRNA decay and a(n) altered/truncated protein could still be expressed (Maquat, 2004). This alteration impacts/removes last 189 amino acids of the protein and the exact functional impact of these amino acids is unknown at this time. This variant was not reported in population-based cohorts in the Genome Aggregation Database (gnomAD). Based on the available evidence, this alteration is classified as pathogenic.